The following is an entry in ClinVar:

NC_000013.11:g.(?_110150363)_(110307027_?)dup

Gene: COL4A1 (collagen type IV alpha 1 chain; minus strand). Cytogenetic location: 13q34.
Variant type: Duplication.
Identifiers: ClinVar variation 833300 (VCV000833300.2).

ClinVar aggregate classification (germline): Uncertain significance (1 of 4 stars; one submission).

Submission:

Labcorp Genetics (formerly Invitae), Labcorp
Classification: Uncertain significance. Last evaluated: 2020-12-18. Review status: criteria provided, single submitter. Criteria: Invitae Variant Classification Sherloc (09022015). Collection method: clinical testing. Allele origin: germline.
Comment: This variant results in a copy number gain of the genomic region encompassing the full coding sequence of the COL4A1 gene. The boundaries of this event are unknown as they extend beyond the assayed region for this gene and therefore may encompass additional genes. As the precise location of this event is unknown, it may be in tandem or it may be located elsewhere in the genome. Similar duplications have not been reported in the literature in individuals with COL4A1-related conditions. In summary, the available evidence is currently insufficient to determine the role of this variant in disease. Therefore, it has been classified as a Variant of Uncertain Significance.